The following is an entry in ClinVar:

ClinVar aggregate classification (germline): Uncertain significance (1 of 4 stars; one submission).

Conditions:
Polycystic kidney disease, adult type (PKD1). Also called: Polycystic Kidney, Autosomal Dominant; POLYCYSTIC KIDNEY DISEASE 1 WITH OR WITHOUT POLYCYSTIC LIVER DISEASE; Polycystic Kidney Disease 1, Autosomal Dominant; Polycystic kidney disease 1; Polycystic kidney disease 1, severe; POLYCYSTIC KIDNEY DISEASE, ADULT, TYPE I. Identifiers: MedGen C3149841, MONDO:0008263, OMIM 173900.

Submission:

MVZ Medizinische Genetik Mainz
Classification: Uncertain significance for Polycystic kidney disease, adult type. Last evaluated: 2022-08-05. Review status: criteria provided, single submitter. Criteria: UK Practice Guidelines For Variant Classification V4 01 2020. Collection method: clinical testing. Allele origin: germline. Inheritance: Autosomal dominant inheritance. Affected: yes. Observed: 2 variant alleles.
Comment: PM2_SUP, PP4

NM_001009944.3(PKD1):c.5207_5209delinsGCC (p.Val1736_Thr1737delinsGlyPro)

Gene: PKD1 (polycystin 1, transient receptor potential channel interacting; minus strand). Cytogenetic location: 16p13.3.
Variant type: Indel.
Coding change: c.5207_5209delinsGCC on transcript NM_001009944.3 (MANE Select); coding-DNA positions 5207 to 5209, TCA replaced by GCC.
Protein change: p.Val1736_Thr1737delinsGlyPro.
Molecular consequence: missense variant.
Genome position (GRCh38, 1-based): chr16:2,109,958-2,109,960, TGA replaced by GGC on the plus strand (TCA replaced by GCC on the coding strand, the reverse complement: PKD1 is on the minus strand). VCF-style: chr16-2109958-TGA-GGC. GRCh37 (hg19) VCF-style: chr16-2159959-TGA-GGC.
Other names: c.5207_5209delinsGCC, p.Val1736_Thr1737delinsGlyPro (NM_000296.4).
Identifiers: ClinVar variation 3061844 (VCV003061844.1), dbSNP rs2544814037, ClinGen allele CA2740096852.